The following is an entry in ClinVar:

NM_004247.4(EFTUD2):c.2115C>A (p.Val705=)

Gene: EFTUD2 (elongation factor Tu GTP binding domain containing 2; minus strand). Cytogenetic location: 17q21.31.
Variant type: single nucleotide variant.
Coding change: c.2115C>A on transcript NM_004247.4 (MANE Select); coding-DNA position 2115, C replaced by A.
Protein change: p.Val705=; no amino-acid change (valine 705 retained).
Molecular consequence: synonymous variant.
Genome position (GRCh38, 1-based): chr17:44,854,935, G>T on the plus strand (C>A on the coding strand, the complement: EFTUD2 is on the minus strand). VCF-style: chr17-44854935-G-T. GRCh37 (hg19) VCF-style: chr17-42932303-G-T.
Other names: c.2010C>A, p.Val670= (NM_001142605.2); c.2115C>A, p.Val705= (NM_001258353.2); c.2085C>A, p.Val695= (NM_001258354.2).
Identifiers: ClinVar variation 752422 (VCV000752422.23), dbSNP rs775415787, ClinGen allele CA8607585.

ClinVar aggregate classification (germline): Likely benign. Review status: criteria provided, multiple submitters, no conflicts (2 of 4 stars). 3 submissions from 3 submitters: Likely benign (2). 1 of the submissions does not count toward it. Last evaluated 2025-01-19.

Conditions:
EFTUD2-related disorder. Also called: EFTUD2-related condition.

Allele frequency attached by ClinVar (database versions not stated): ExAC 0.00002; gnomAD 0.00003 and 0.00004; TOPMed 0.00003; gnomAD exomes 0.00004 and 0.00009.
gnomAD v4.1: 135 of 1,614,034 alleles (0.0084%); highest among the groups gnomAD compares: Non-Finnish European, 0.011%; no homozygotes.

Submissions (3):

Labcorp Genetics (formerly Invitae), Labcorp
Classification: Likely benign. Last evaluated: 2025-01-19. Review status: criteria provided, single submitter. Criteria: Invitae Variant Classification Sherloc (09022015). Collection method: clinical testing. Allele origin: germline.

CeGaT Center for Human Genetics Tuebingen
Classification: Likely benign. Last evaluated: 2024-10-01. Review status: criteria provided, single submitter. Criteria: CeGaT Center For Human Genetics Tuebingen Variant Classification Criteria Version 2. Collection method: clinical testing. Allele origin: germline. Affected: yes. Observed: 1 variant allele.
Comment: EFTUD2: BP4, BP7

PreventionGenetics, part of Exact Sciences
Classification: Likely benign for EFTUD2-related condition. Last evaluated: 2019-04-29. Review status: no assertion criteria provided. Collection method: clinical testing. Allele origin: germline. Not counted in ClinVar's aggregate classification.
Comment: This variant is classified as likely benign based on ACMG/AMP sequence variant interpretation guidelines (Richards et al. 2015 PMID: 25741868, with internal and published modifications).